The following is an entry in ClinVar:

ClinVar aggregate classification (germline): Likely pathogenic (1 of 4 stars; one submission).

Conditions:
Hypertrophic cardiomyopathy. Also called: HYPERTROPHIC MYOCARDIOPATHY. Identifiers: Orphanet 217569, MedGen C0007194, MeSH D002312, MONDO:0005045, HP:0001639.

Submission:

Labcorp Genetics (formerly Invitae), Labcorp
Classification: Likely pathogenic for Hypertrophic cardiomyopathy. Last evaluated: 2025-02-05. Review status: criteria provided, single submitter. Criteria: Invitae Variant Classification Sherloc (09022015). Collection method: clinical testing. Allele origin: germline.
Comment: This variant results in the deletion of exon 14 and part of exon 13 (c.1133_1226+6delinsA) of the MYBPC3 gene. It is expected to disrupt RNA splicing. Variants that disrupt the donor or acceptor splice site typically lead to a loss of protein function (PMID: 16199547), and loss-of-function variants in MYBPC3 are known to be pathogenic (PMID: 19574547). This variant is not present in population databases (gnomAD no frequency). This variant has not been reported in the literature in individuals affected with MYBPC3-related conditions. ClinVar contains an entry for this variant (Variation ID: 1515514). In summary, the currently available evidence indicates that the variant is pathogenic, but additional data are needed to prove that conclusively. Therefore, this variant has been classified as Likely Pathogenic.

Literature cited by the submitters: PubMed 16199547; PubMed 19574547.

NM_000256.3(MYBPC3):c.1133_1226+6delinsA

Gene: MYBPC3 (myosin binding protein C3; minus strand). Cytogenetic location: 11p11.2.
Variant type: Indel.
Coding change: c.1133_1226+6delinsA on transcript NM_000256.3 (MANE Select); coding-DNA position 1133 through 6 bases into the intron after coding-DNA position 1226, the reference bases replaced by A.
Molecular consequence: splice acceptor variant, splice donor variant.
Genome position (GRCh38, 1-based): chr11:47,343,254-47,343,582, 329 bases replaced. GRCh37 (hg19): chr11:47,364,805-47,365,133.
Identifiers: ClinVar variation 1515514 (VCV001515514.6), dbSNP rs2142861940, ClinGen allele CA2573147072.